The following is an entry in ClinVar:

ClinVar aggregate classification (germline): Likely benign. Review status: criteria provided, single submitter (1 of 4 stars). 3 submissions from 3 submitters: Likely benign (1). 2 of the submissions do not count toward it. Last evaluated 2026-01-19.

Conditions:
MPV17-related disorder. Also called: MPV17-related disorders; MPV17-related condition. Identifiers: MedGen CN239328.
Mitochondrial DNA depletion syndrome 15 (hepatocerebral type) (MTDPS15). Also called: Hepatocerebral Mitochondrial DNA Depletion Syndrome. Identifiers: MedGen C4310690, MONDO:0014943, OMIM 617156.

Allele frequency attached by ClinVar (database versions not stated): gnomAD exomes 0.00001 and 0.00003; ExAC 0.00007; TOPMed 0.00022; ESP Exome Variant Server 0.00023; gnomAD 0.00024; 1000 Genomes Project 0.00040; 1000 Genomes Project 30x 0.00047.
gnomAD v4.1: 55 of 1,614,242 alleles (0.0034%); highest among the groups gnomAD compares: African/African-American, 0.069%; no homozygotes.

Submissions (3):

Labcorp Genetics (formerly Invitae), Labcorp
Classification: Likely benign. Last evaluated: 2026-01-19. Review status: criteria provided, single submitter. Criteria: Invitae Variant Classification Sherloc (09022015). Collection method: clinical testing. Allele origin: germline.

PreventionGenetics, part of Exact Sciences
Classification: Likely benign for MPV17-related condition. Last evaluated: 2023-07-24. Review status: no assertion criteria provided. Collection method: clinical testing. Allele origin: germline. Not counted in ClinVar's aggregate classification.
Comment: This variant is classified as likely benign based on ACMG/AMP sequence variant interpretation guidelines (Richards et al. 2015 PMID: 25741868, with internal and published modifications).

Natera, Inc.
Classification: Likely benign for Mitochondrial DNA depletion syndrome, hepatocerebral form. Last evaluated: 2021-08-18. Review status: no assertion criteria provided. Collection method: clinical testing. Allele origin: germline. Not counted in ClinVar's aggregate classification.

NM_002437.5(MPV17):c.249G>A (p.Val83=)

Gene: MPV17 (mitochondrial inner membrane protein MPV17; minus strand). Cytogenetic location: 2p23.3.
Variant type: single nucleotide variant.
Coding change: c.249G>A on transcript NM_002437.5 (MANE Select); coding-DNA position 249, G replaced by A.
Protein change: p.Val83=; no amino-acid change (valine 83 retained).
Molecular consequence: synonymous variant.
Genome position (GRCh38, 1-based): chr2:27,312,710, C>T on the plus strand (G>A on the coding strand, the complement: MPV17 is on the minus strand). VCF-style: chr2-27312710-C-T. GRCh37 (hg19) VCF-style: chr2-27535577-C-T.
Identifiers: ClinVar variation 749029 (VCV000749029.15), dbSNP rs199952690, ClinGen allele CA1575617.